The following is an entry in ClinVar:

NM_001378183.1(PIEZO2):c.7403G>A (p.Trp2468Ter)

Gene: PIEZO2 (piezo type mechanosensitive ion channel component 2; minus strand). Cytogenetic location: 18p11.22.
Variant type: single nucleotide variant.
Coding change: c.7403G>A on transcript NM_001378183.1 (MANE Select); coding-DNA position 7403, G replaced by A.
Protein change: p.Trp2468Ter; replaces tryptophan 2468 with a stop codon.
Molecular consequence: nonsense.
Genome position (GRCh38, 1-based): chr18:10,689,749, C>T on the plus strand (G>A on the coding strand, the complement: PIEZO2 is on the minus strand). VCF-style: chr18-10689749-C-T. GRCh37 (hg19) VCF-style: chr18-10689747-C-T.
Other names: c.7139G>A, p.Trp2380Ter (NM_001410871.1); c.7064G>A, p.Trp2355Ter (NM_022068.4); short protein forms W2355*, W2380*, W2468*.
Identifiers: ClinVar variation 4887988 (VCV004887988.1).
Genomic context (GRCh38, chr18:10,689,749, plus strand): 5'-ATGTGAGCATAGATGTCCTCCACACAGATCCAGCTGGACAGGCTCAAAGTTGTGTCCGTC[C>T]ACACCCAGTCCATCACTGCCCTCAGCTCAGTCAAAAAGGGCACGAGGCGAAACCTGGCAG-3'

ClinVar aggregate classification (germline): Uncertain significance (1 of 4 stars; one submission).

Conditions:
Fetal anomalies with a likely genetic cause.

gnomAD v4.1: 2 of 1,614,160 alleles (0.00012%); highest among the groups gnomAD compares: Non-Finnish European, 0.000085%; no homozygotes.

Submission:

Genetics Laboratory, Great Ormond Street Hospital NHS Foundation Trust, North Thames Genomic Laboratory Hub
Classification: Uncertain significance for Fetal anomalies with a likely genetic cause. Last evaluated: 2026-07-07. Review status: criteria provided, single submitter. Criteria: ACGS Best Practice Guidelines for Variant Classification in Rare Disease 2024 v1.2. Collection method: clinical testing. Allele origin: germline. Affected: yes.
Comment: PVS1_very-strong